The following is an entry in ClinVar:

NM_000466.3(PEX1):c.2666T>C (p.Leu889Ser)

Gene: PEX1 (peroxisomal biogenesis factor 1; minus strand). Cytogenetic location: 7q21.2.
Variant type: single nucleotide variant.
Coding change: c.2666T>C on transcript NM_000466.3 (MANE Select); coding-DNA position 2666, T replaced by C.
Protein change: p.Leu889Ser; replaces leucine 889 with serine.
Molecular consequence: missense variant.
Genome position (GRCh38, 1-based): chr7:92,499,756, A>G on the plus strand (T>C on the coding strand, the complement: PEX1 is on the minus strand). VCF-style: chr7-92499756-A-G. GRCh37 (hg19) VCF-style: chr7-92129070-A-G.
Other names: c.2495T>C, p.Leu832Ser (NM_001282677.2); c.2042T>C, p.Leu681Ser (NM_001282678.2); short protein forms L681S, L832S, L889S.
Identifiers: ClinVar variation 3347017 (VCV003347017.1).

ClinVar aggregate classification (germline): Uncertain significance (0 of 4 stars; one submission).

Conditions:
PEX1-related disorder. Also called: PEX1-related condition.

gnomAD v4.1: 1 of 1,613,522 alleles (0.000062%); highest among the groups gnomAD compares: South Asian, 0.0011%; no homozygotes.

Submission:

PreventionGenetics, part of Exact Sciences
Classification: Uncertain significance for PEX1-related condition. Last evaluated: 2024-07-29. Review status: no assertion criteria provided. Collection method: clinical testing. Allele origin: germline.
Comment: The PEX1 c.2666T>C variant is predicted to result in the amino acid substitution p.Leu889Ser. To our knowledge, this variant has not been reported in the literature or in a large population database, indicating this variant is rare. At this time, the clinical significance of this variant is uncertain due to the absence of conclusive functional and genetic evidence.